The following is an entry in ClinVar:

NM_003801.4(GPAA1):c.205C>T (p.Arg69Cys)

Gene: GPAA1 (glycosylphosphatidylinositol anchor attachment 1; plus strand). Cytogenetic location: 8q24.3.
Variant type: single nucleotide variant.
Coding change: c.205C>T on transcript NM_003801.4 (MANE Select); coding-DNA position 205, C replaced by T.
Protein change: p.Arg69Cys; replaces arginine 69 with cysteine.
Molecular consequence: missense variant.
Genome position (GRCh38, 1-based): chr8:144,083,254, C>T. VCF-style: chr8-144083254-C-T. GRCh37 (hg19) VCF-style: chr8-145138157-C-T.
Other names: short protein forms R69C.
Identifiers: ClinVar variation 1362234 (VCV001362234.8), dbSNP rs781808388, ClinGen allele CA4932733.
Genomic context (GRCh38, chr8:144,083,254, plus strand): 5'-TACATGTCGGAGAACGCCATGGGCTCCACCATGGTGGAGGAGCAGTTTGCGGGCGGAGAC[C>T]GTGCCCGGGCTTTTGCCCGGGACTTCGCCGCCCACCGCAAGAAGTCGGGGTGAGCGGCAG-3'
Protein context (NP_003792.1, residues 59-79): MVEEQFAGGD[Arg69Cys]ARAFARDFAA

ClinVar aggregate classification (germline): Uncertain significance (1 of 4 stars; one submission).

Allele frequency attached by ClinVar (database versions not stated): ExAC 0.00001; gnomAD 0.00001; gnomAD exomes 0.00001; TOPMed 0.00001.

Submission:

Labcorp Genetics (formerly Invitae), Labcorp
Classification: Uncertain significance. Last evaluated: 2024-06-03. Review status: criteria provided, single submitter. Criteria: Invitae Variant Classification Sherloc (09022015). Collection method: clinical testing. Allele origin: germline.
Comment: This sequence change replaces arginine, which is basic and polar, with cysteine, which is neutral and slightly polar, at codon 69 of the GPAA1 protein (p.Arg69Cys). This variant is present in population databases (rs781808388, gnomAD 0.003%). This variant has not been reported in the literature in individuals affected with GPAA1-related conditions. ClinVar contains an entry for this variant (Variation ID: 1362234). Advanced modeling of protein sequence and biophysical properties (such as structural, functional, and spatial information, amino acid conservation, physicochemical variation, residue mobility, and thermodynamic stability) performed at Invitae indicates that this missense variant is expected to disrupt GPAA1 protein function with a positive predictive value of 80%. In summary, the available evidence is currently insufficient to determine the role of this variant in disease. Therefore, it has been classified as a Variant of Uncertain Significance.